The following is an entry in ClinVar:

ClinVar aggregate classification (germline): Uncertain significance (1 of 4 stars; one submission).

Conditions:
Inborn genetic diseases. Identifiers: MedGen C0950123, MeSH D030342.

Submission:

Ambry Genetics
Classification: Uncertain significance for Inborn genetic diseases. Last evaluated: 2024-12-20. Review status: criteria provided, single submitter. Criteria: Ambry Variant Classification Scheme 2023. Collection method: clinical testing. Allele origin: germline.
Comment: The p.S387F variant (also known as c.1160C>T), located in coding exon 10 of the FANCG gene, results from a C to T substitution at nucleotide position 1160. The serine at codon 387 is replaced by phenylalanine, an amino acid with highly dissimilar properties. This amino acid position is conserved. In addition, this alteration is predicted to be tolerated by in silico analysis. Based on the available evidence, the clinical significance of this variant remains unclear.

NM_004629.2(FANCG):c.1160C>T (p.Ser387Phe)

Gene: FANCG (FA complementation group G; minus strand). Cytogenetic location: 9p13.3.
Variant type: single nucleotide variant.
Coding change: c.1160C>T on transcript NM_004629.2 (MANE Select); coding-DNA position 1160, C replaced by T.
Protein change: p.Ser387Phe; replaces serine 387 with phenylalanine.
Molecular consequence: missense variant.
Genome position (GRCh38, 1-based): chr9:35,075,738, G>A on the plus strand (C>T on the coding strand, the complement: FANCG is on the minus strand). VCF-style: chr9-35075738-G-A. GRCh37 (hg19) VCF-style: chr9-35075735-G-A.
Other names: short protein forms S387F.
Identifiers: ClinVar variation 3848377 (VCV003848377.1).
Genomic context (GRCh38, chr9:35,075,738, plus strand): 5'-GCCTGGATCAGTGCTACCGCTGCCTCCAAAAACACCTCAGGCATACAGGGCCCTGGAGGG[G>A]AGGGGGGTGGGGAGAACTGGAGTGGGAAGAAGAAGCAGTGTCTTGAAAGGCATGAGCCAC-3'
Protein context (NP_004620.1, residues 377-397): SSEPRFSPPP[Ser387Phe]PPGPCMPEVF